The following is an entry in ClinVar:

NM_144596.4(TTC8):c.905A>G (p.Tyr302Cys)

Gene: TTC8 (tetratricopeptide repeat domain 8; plus strand). Cytogenetic location: 14q31.3.
Variant type: single nucleotide variant.
Coding change: c.905A>G on transcript NM_144596.4 (MANE Select); coding-DNA position 905, A replaced by G.
Protein change: p.Tyr302Cys; replaces tyrosine 302 with cysteine.
Molecular consequence: missense variant. On other transcripts: non-coding transcript variant (1).
Genome position (GRCh38, 1-based): chr14:88,861,328, A>G. VCF-style: chr14-88861328-A-G. GRCh37 (hg19) VCF-style: chr14-89327672-A-G.
Other names: c.953A>G, p.Tyr318Cys (NM_001288781.1); c.311A>G, p.Tyr104Cys (NM_001288782.1); c.188A>G, p.Tyr63Cys (NM_001288783.1); c.875A>G, p.Tyr292Cys (NM_001366535.2, NM_198309.3); c.785A>G, p.Tyr262Cys (NM_001366536.2, NM_198310.3); c.905A>G (NM_144596.3); short protein forms Y292C, Y302C, Y318C, Y63C, Y104C, Y262C.
Identifiers: ClinVar variation 314801 (VCV000314801.13), dbSNP rs370111364, ClinGen allele CA7302618.

ClinVar aggregate classification (germline): Uncertain significance. Review status: criteria provided, multiple submitters, no conflicts (2 of 4 stars). 6 submissions from 5 submitters: Uncertain significance (6). Last evaluated 2025-08-04.

Conditions:
TTC8-related disorder. Also called: TTC8-related condition.
Retinitis pigmentosa (RP). Identifiers: Orphanet 791, MedGen C0035334, MeSH D012174, MONDO:0019200, OMIM 268000. Inheritance: Autosomal dominant, autosomal recessive and X linked inheritance.
Bardet-Biedl syndrome (BBS). Identifiers: Orphanet 110, MedGen C0752166, MONDO:0015229.
Bardet-Biedl syndrome 8 (BBS8). Identifiers: Orphanet 110, MedGen C1859566, MONDO:0014436, OMIM 615985.
Retinitis pigmentosa 51 (RP51). Identifiers: Orphanet 791, MedGen C3150715, MONDO:0013274, OMIM 613464.

Allele frequency attached by ClinVar (database versions not stated): gnomAD exomes 0.00002 and 0.00014; ExAC 0.00003; gnomAD 0.00007 and 0.00008; ESP Exome Variant Server 0.00008; TOPMed 0.00008.
gnomAD v4.1: 209 of 1,591,532 alleles (0.013%); highest among the groups gnomAD compares: Non-Finnish European, 0.017%; no homozygotes.

Submissions (6):

PreventionGenetics, part of Exact Sciences
Classification: Uncertain significance for TTC8-related condition. Last evaluated: 2025-08-04. Review status: criteria provided, single submitter. Criteria: ACMG Guidelines, 2015. Collection method: clinical testing. Allele origin: germline.
Comment: The TTC8 c.905A>G variant is predicted to result in the amino acid substitution p.Tyr302Cys. To our knowledge, this variant has not been reported in the literature. This variant is reported in 0.0063% of alleles in individuals of European (Non-Finnish) descent in gnomAD. At this time, the clinical significance of this variant is uncertain due to the absence of conclusive functional and genetic evidence.

Blueprint Genetics
Classification: Uncertain significance. Last evaluated: 2024-05-16. Review status: criteria provided, single submitter. Criteria: ACMG Guidelines, 2015. Collection method: clinical testing. Allele origin: germline.

Fulgent Genetics
Classification: Uncertain significance for Retinitis pigmentosa 51; Bardet-Biedl syndrome 8. Last evaluated: 2024-03-22. Review status: criteria provided, single submitter. Criteria: ACMG Guidelines, 2015. Collection method: clinical testing. Allele origin: germline.

Labcorp Genetics (formerly Invitae), Labcorp
Classification: Uncertain significance for Bardet-Biedl syndrome. Last evaluated: 2022-08-19. Review status: criteria provided, single submitter. Criteria: Invitae Variant Classification Sherloc (09022015). Collection method: clinical testing. Allele origin: germline.
Comment: This sequence change replaces tyrosine, which is neutral and polar, with cysteine, which is neutral and slightly polar, at codon 292 of the TTC8 protein (p.Tyr292Cys). This variant is present in population databases (rs370111364, gnomAD 0.006%). This variant has not been reported in the literature in individuals affected with TTC8-related conditions. ClinVar contains an entry for this variant (Variation ID: 314801). Algorithms developed to predict the effect of missense changes on protein structure and function are either unavailable or do not agree on the potential impact of this missense change (SIFT: "Tolerated"; PolyPhen-2: "Probably Damaging"; Align-GVGD: "Class C0"). Algorithms developed to predict the effect of sequence changes on RNA splicing suggest that this variant may create or strengthen a splice site. In summary, the available evidence is currently insufficient to determine the role of this variant in disease. Therefore, it has been classified as a Variant of Uncertain Significance.

Illumina Laboratory Services, Illumina
Classification: Uncertain significance for Bardet-Biedl syndrome 8. Last evaluated: 2018-01-12. Review status: criteria provided, single submitter. Criteria: ICSL Variant Classification Criteria 13 December 2019. Collection method: clinical testing. Allele origin: germline.

Illumina Laboratory Services, Illumina
Classification: Uncertain significance for Retinitis pigmentosa. Last evaluated: 2018-01-12. Review status: criteria provided, single submitter. Criteria: ICSL Variant Classification Criteria 13 December 2019. Collection method: clinical testing. Allele origin: germline.